The following is an entry in ClinVar:

ClinVar aggregate classification (germline): Likely pathogenic (1 of 4 stars; one submission).

Conditions:
Leukoencephalopathy with brain stem and spinal cord involvement-high lactate syndrome (LBSL). Also called: Leukoencephalopathy with Brainstem and Spinal Cord Involvement and Lactate Elevation; MITOCHONDRIAL ASPARTYL-tRNA SYNTHETASE DEFICIENCY; LEUKOENCEPHALOPATHY WITH BRAINSTEM AND SPINAL CORD INVOLVEMENT AND LACTATE ELEVATION, MILD. Identifiers: Orphanet 137898, MedGen C1970180, MONDO:0012622, OMIM 611105.

gnomAD v4.1: 6 of 1,613,892 alleles (0.00037%); highest among the groups gnomAD compares: Middle Eastern, 0.016%; no homozygotes.

Submission:

Broad Center for Mendelian Genomics, Broad Institute of MIT and Harvard
Classification: Likely pathogenic for Leukoencephalopathy with brain stem and spinal cord involvement-high lactate syndrome. Last evaluated: 2025-01-21. Review status: criteria provided, single submitter. Criteria: ACMG Guidelines, 2015. Collection method: curation. Allele origin: germline. Inheritance: Autosomal recessive inheritance.
Comment: The p.Gln184Lys variant in DARS2 has been reported, in the compound heterozygous state, in 2 siblings with leukoencephalopathy with brain stem and spinal cord involvement-high lactate syndrome (PMID: 17384640), and has been identified in 0.0004% (5/1179828) of European (non-Finnish) chromosomes by the Genome Aggregation Database (gnomAD; dbSNP rs1469160736). Although this variant has been seen in the general population in a heterozygous state, its frequency is low enough to be consistent with a recessive carrier frequency. In vitro functional studies provide some evidence that the p.Gln184Lys variant may impact protein function (PMID:23216004, 26620921). However, these types of assays may not accurately represent biological function. Computational tools and conservation analyses suggest that this variant may impact the protein, though this information is not predictive enough to determine pathogenicity. In summary, although additional studies are required to fully establish its clinical significance, this variant is likely pathogenic for autosomal recessive leukoencephalopathy with brain stem and spinal cord involvement-high lactate syndrome. ACMG/AMP Criteria applied: PS3_moderate, PP3_moderate, PM2_supporting, PM3_supporting (Richards 2015).

Literature cited by the submitters: PubMed 17384640.

NM_018122.5(DARS2):c.550C>A (p.Gln184Lys)

Gene: DARS2 (aspartyl-tRNA synthetase 2, mitochondrial; plus strand). Cytogenetic location: 1q25.1.
Variant type: single nucleotide variant.
Coding change: c.550C>A on transcript NM_018122.5 (MANE Select); coding-DNA position 550, C replaced by A.
Protein change: p.Gln184Lys; replaces glutamine 184 with lysine.
Molecular consequence: missense variant.
Genome position (GRCh38, 1-based): chr1:173,833,433, C>A. VCF-style: chr1-173833433-C-A. GRCh37 (hg19) VCF-style: chr1-173802571-C-A.
Other names: NM_001365213.2:c.550C>A; c.550C>A, p.Gln184Lys (NM_001365212.1, NM_001365213.2); short protein forms Q184K.
Identifiers: ClinVar variation 3776813 (VCV003776813.1).
Genomic context (GRCh38, chr1:173,833,433, plus strand): 5'-TAGAAAACAGAGGCTCTTCGGTTGCAGTATCGCTACTTAGACTTGCGTAGTTTCCAAATG[C>A]AGTATAACCTGCGACTGAGGTCCCAGATGGTCATGAAAATGCGGGAATATCTCTGTAATC-3'
Protein context (NP_060592.2, residues 174-194): RYLDLRSFQM[Gln184Lys]YNLRLRSQMV